The following is an entry in ClinVar:

ClinVar aggregate classification (germline): Uncertain significance (1 of 4 stars; one submission).

Conditions:
Ehlers-Danlos syndrome, dermatosparaxis type. Also called: Dermatosparaxis; Ehlers-Danlos syndrome, type VII, autosomal recessive; EDS VIIC. Identifiers: Orphanet 1901, MedGen C2700425, MONDO:0009161, OMIM 225410.

gnomAD v4.1: 3 of 1,611,946 alleles (0.00019%); highest among the groups gnomAD compares: Non-Finnish European, 0.00025%; no homozygotes.

Submission:

Labcorp Genetics (formerly Invitae), Labcorp
Classification: Uncertain significance for Ehlers-Danlos syndrome, dermatosparaxis type. Last evaluated: 2025-07-06. Review status: criteria provided, single submitter. Criteria: Invitae Variant Classification Sherloc (09022015). Collection method: clinical testing. Allele origin: germline.
Comment: This sequence change replaces asparagine, which is neutral and polar, with serine, which is neutral and polar, at codon 1101 of the ADAMTS2 protein (p.Asn1101Ser). This variant is not present in population databases (gnomAD no frequency). This variant has not been reported in the literature in individuals affected with ADAMTS2-related conditions. An algorithm developed to predict the effect of missense changes on protein structure and function outputs the following: PolyPhen-2: "Benign". The serine amino acid residue is found in multiple mammalian species, which suggests that this missense change does not adversely affect protein function. In summary, the available evidence is currently insufficient to determine the role of this variant in disease. Therefore, it has been classified as a Variant of Uncertain Significance.

NM_014244.5(ADAMTS2):c.3302A>G (p.Asn1101Ser)

Gene: ADAMTS2 (ADAM metallopeptidase with thrombospondin type 1 motif 2; minus strand). Cytogenetic location: 5q35.3.
Variant type: single nucleotide variant.
Coding change: c.3302A>G on transcript NM_014244.5 (MANE Select); coding-DNA position 3302, A replaced by G.
Protein change: p.Asn1101Ser; replaces asparagine 1101 with serine.
Molecular consequence: missense variant.
Genome position (GRCh38, 1-based): chr5:179,114,201, T>C on the plus strand (A>G on the coding strand, the complement: ADAMTS2 is on the minus strand). VCF-style: chr5-179114201-T-C. GRCh37 (hg19) VCF-style: chr5-178541202-T-C.
Other names: short protein forms N1101S.
Identifiers: ClinVar variation 4701744 (VCV004701744.1).